The following is an entry in ClinVar:

NM_006086.4(TUBB3):c.904G>A (p.Ala302Thr)

Gene: TUBB3 (tubulin beta 3 class III; plus strand). Cytogenetic location: 16q24.3.
Variant type: single nucleotide variant.
Coding change: c.904G>A on transcript NM_006086.4 (MANE Select); coding-DNA position 904, G replaced by A.
Protein change: p.Ala302Thr; replaces alanine 302 with threonine.
Molecular consequence: missense variant.
Genome position (GRCh38, 1-based): chr16:89,935,355, G>A. VCF-style: chr16-89935355-G-A. GRCh37 (hg19) VCF-style: chr16-90001763-G-A.
Other names: c.688G>A, p.Ala230Thr (NM_001197181.2); short protein forms A302T, A230T.
Identifiers: ClinVar variation 6964 (VCV000006964.43), dbSNP rs267607163, ClinGen allele CA340620.

ClinVar aggregate classification (germline): Pathogenic. Review status: criteria provided, multiple submitters, no conflicts (2 of 4 stars). 6 submissions from 6 submitters: Pathogenic (4). 2 of the submissions do not count toward it. Last evaluated 2022-03-22.

Conditions:
Fibrosis of extraocular muscles, congenital, 3A, with or without extraocular involvement. Also called: CONGENITAL FIBROSIS OF EXTRAOCULAR MUSCLES 3A; FEOM3 LOCUS. Identifiers: MedGen C2748801, MONDO:0010912, OMIM 600638.

Allele frequency attached by ClinVar (database versions not stated): gnomAD exomes below 0.00001.
gnomAD v4.1: 1 of 1,613,996 alleles (0.000062%); highest among the groups gnomAD compares: Admixed American, 0.0017%; no homozygotes.

Submissions (6):

3billion
Classification: Pathogenic for Fibrosis of extraocular muscles, congenital, 3A, with or without extraocular involvement. Last evaluated: 2022-03-22. Review status: criteria provided, single submitter. Criteria: ACMG Guidelines, 2015. Collection method: clinical testing. Allele origin: germline. Affected: yes. Observed: 1 heterozygote.
Comment: Same nucleotide change resulting in same amino acid change has been previously reported as pathogenic/likely pathogenic with strong evidence (ClinVar ID: VCV000006964, PMID:20074521). The variant has been observed in at least two similarly affected unrelated individuals (PMID: 20074521). Functional assays showed that the variant had moderate level of impact on gene/protein function (PMID: 20074521). In silico tool predictions suggest damaging effect of the variant on gene or gene product (REVEL: 0.867>=0.6). A missense variant is a common mechanism. It is observed at an extremely low frequency in the gnomAD v2.1.1 dataset (total allele frequency:0.000004). Different pathogenic/likely pathogenic amino acid change has been reported with supporting evidence at the same codon (ClinVar ID: VCV000030275, PMID:20829227). Therefore, this variant is classified as pathogenic according to the recommendation of ACMG/AMP guideline.

Labcorp Genetics (formerly Invitae), Labcorp
Classification: Pathogenic. Last evaluated: 2022-03-10. Review status: criteria provided, single submitter. Criteria: Invitae Variant Classification Sherloc (09022015). Collection method: clinical testing. Allele origin: germline.
Comment: Algorithms developed to predict the effect of missense changes on protein structure and function (SIFT, PolyPhen-2, Align-GVGD) all suggest that this variant is likely to be disruptive. For these reasons, this variant has been classified as Pathogenic. Experimental studies have shown that this missense change affects TUBB3 function (PMID: 20074521, 29382549, 31226147). ClinVar contains an entry for this variant (Variation ID: 6964). This missense change has been observed in individual(s) with TUBB3-related conditions (PMID: 20074521). In at least one individual the variant was observed to be de novo. The frequency data for this variant in the population databases is considered unreliable, as metrics indicate poor data quality at this position in the gnomAD database. This sequence change replaces alanine, which is neutral and non-polar, with threonine, which is neutral and polar, at codon 302 of the TUBB3 protein (p.Ala302Thr).

CeGaT Center for Human Genetics Tuebingen
Classification: Pathogenic. Last evaluated: 2021-10-01. Review status: criteria provided, single submitter. Criteria: CeGaT Center For Human Genetics Tuebingen Variant Classification Criteria Version 2. Collection method: clinical testing. Allele origin: germline. Affected: yes. Observed: 2 variant alleles.

GeneDx
Classification: Pathogenic. Last evaluated: 2017-08-15. Review status: criteria provided, single submitter. Criteria: GeneDx Variant Classification (06012015). Collection method: clinical testing. Allele origin: germline. Affected: yes.
Comment: The A302T pathogenic variant in the TUBB3 gene has been reported previously in three unrelated families with congenital fibrosis of the extraocular muscles type 3 (CFEOM3) (Tischfield et al., 2010). In vitro functional studies of A302T-TUBB3 showed disrupted tubulin heterdimer formation and altered microtubule dynamics compared to wild-type TUBB3 (Tischfield et al., 2010). The A302T variant was not observed in approximately 6500 individuals of European and African American ancestry in the NHLBI Exome Sequencing Project, indicating it is not a common benign variant in these populations. The A302T variant is a non-conservative amino acid substitution, which is likely to impact secondary protein structure as these residues differ in polarity, charge, size and/or other properties. This substitution occurs at a position that is conserved across species. A missense variant in the same residue (A302V) has been reported in a family with brain malformations, nystagmus and strabismus, thus supporting the functional importance of this residue (Poirier et al., 2010). We interpret A302T as a pathogenic variant.

OMIM
Classification: Pathogenic for CONGENITAL FIBROSIS OF EXTRAOCULAR MUSCLES 3A. Last evaluated: 2010-11-15. Review status: no assertion criteria provided. Collection method: literature only. Allele origin: germline. Not counted in ClinVar's aggregate classification.

GeneReviews
No classification provided. Condition: Fibrosis of extraocular muscles, congenital, 3A, with or without extraocular involvement. Review status: no classification provided. Collection method: literature only. Allele origin: germline. Not counted in ClinVar's aggregate classification.

Literature cited by the submitters: PubMed 20829227 (cited by 3billion and OMIM); PubMed 20074521 (cited by 4 submitters); PubMed 29382549 (cited by Labcorp Genetics (formerly Invitae), Labcorp); PubMed 31226147 (cited by Labcorp Genetics (formerly Invitae), Labcorp); PubMed 20301522 (cited by GeneReviews).